The following is an entry in ClinVar:

NM_002485.5(NBN):c.1580A>T (p.Asp527Val)

Gene: NBN (nibrin; minus strand). Cytogenetic location: 8q21.3.
Variant type: single nucleotide variant.
Coding change: c.1580A>T on transcript NM_002485.5 (MANE Select); coding-DNA position 1580, A replaced by T.
Protein change: p.Asp527Val; replaces aspartic acid 527 with valine.
Molecular consequence: missense variant.
Genome position (GRCh38, 1-based): chr8:89,953,509, T>A on the plus strand (A>T on the coding strand, the complement: NBN is on the minus strand). VCF-style: chr8-89953509-T-A. GRCh37 (hg19) VCF-style: chr8-90965737-T-A.
Other names: c.1334A>T, p.Asp445Val (NM_001024688.3); short protein forms D527V, D445V.
Identifiers: ClinVar variation 461515 (VCV000461515.18), dbSNP rs1554558407, ClinGen allele CA371655549.
Genomic context (GRCh38, chr8:89,953,509, plus strand): 5'-GATCTTAGCTTTTCTGCAGCATGAGATTTACTGGCAGAATTTTTCACAATAGATTTTAAA[T>A]CTGTATCTGTAAATAAGTTATTGTCTGAGTTTGTGTCCACAGGCTCATTCTCAGATAGAT-3'
Protein context (NP_002476.2, residues 517-537): NSDNNLFTDT[Asp527Val]LKSIVKNSAS

ClinVar aggregate classification (germline): Uncertain significance. Review status: criteria provided, multiple submitters, no conflicts (2 of 4 stars). 5 submissions from 5 submitters: Uncertain significance (5). Last evaluated 2025-04-30.

Conditions:
Hereditary cancer-predisposing syndrome. Also called: Hereditary neoplastic syndrome; Neoplastic Syndromes, Hereditary; Tumor predisposition; Hereditary Cancer Syndrome. Identifiers: Orphanet 140162, MedGen C0027672, MeSH D009386, MONDO:0015356.
Aplastic anemia. Identifiers: Orphanet 182040, Orphanet 88, MedGen C0002874, MONDO:0015909, OMIM 609135, HP:0001915.
Microcephaly, normal intelligence and immunodeficiency (NBS). Also called: IMMUNODEFICIENCY, MICROCEPHALY, AND CHROMOSOMAL INSTABILITY; SEEMANOVA SYNDROME II; Nijmegen breakage syndrome; Microcephaly with normal intelligence immunodeficiency and lymphoreticular malignancies; Nonsyndromal microcephaly autosomal recessive with normal intelligence; Seemanova syndrome 2. Identifiers: Orphanet 647, MedGen C0398791, MONDO:0009623, OMIM 251260.

Allele frequency attached by ClinVar (database versions not stated): gnomAD 0.00001.
gnomAD v4.1: 2 of 1,613,630 alleles (0.00012%); highest among the groups gnomAD compares: Admixed American, 0.0017%; no homozygotes.

Submissions (5):

Quest Diagnostics Nichols Institute San Juan Capistrano
Classification: Uncertain significance. Last evaluated: 2025-04-30. Review status: criteria provided, single submitter. Criteria: Quest Diagnostics criteria. Collection method: clinical testing. Allele origin: unknown.
Comment: The NBN c.1580A>T (p.Asp527Val) variant has been reported in the published literature in an individual with unspecified cancer (PMID: 36346689 (2023)). The frequency of this variant in the general population (Genome Aggregation Database) is uninformative in the assessment of its pathogenicity. Analysis of this variant using bioinformatics tools for the prediction of the effect of amino acid changes on protein structure and function yielded predictions that this variant is benign. Based on the available information, we are unable to determine the clinical significance of this variant.

Ambry Genetics
Classification: Uncertain significance for Hereditary cancer-predisposing syndrome. Last evaluated: 2024-08-14. Review status: criteria provided, single submitter. Criteria: Ambry Variant Classification Scheme 2023. Collection method: clinical testing. Allele origin: germline.
Comment: The p.D527V variant (also known as c.1580A>T), located in coding exon 11 of the NBN gene, results from an A to T substitution at nucleotide position 1580. The aspartic acid at codon 527 is replaced by valine, an amino acid with highly dissimilar properties. This amino acid position is not well conserved in available vertebrate species. In addition, this alteration is predicted to be tolerated by in silico analysis. Since supporting evidence is limited at this time, the clinical significance of this alteration remains unclear.

Labcorp Genetics (formerly Invitae), Labcorp
Classification: Uncertain significance for Microcephaly, normal intelligence and immunodeficiency. Last evaluated: 2024-04-16. Review status: criteria provided, single submitter. Criteria: Invitae Variant Classification Sherloc (09022015). Collection method: clinical testing. Allele origin: germline.
Comment: This sequence change replaces aspartic acid, which is acidic and polar, with valine, which is neutral and non-polar, at codon 527 of the NBN protein (p.Asp527Val). This variant is not present in population databases (gnomAD no frequency). This variant has not been reported in the literature in individuals affected with NBN-related conditions. ClinVar contains an entry for this variant (Variation ID: 461515). An algorithm developed to predict the effect of missense changes on protein structure and function (PolyPhen-2) suggests that this variant is likely to be tolerated. In summary, the available evidence is currently insufficient to determine the role of this variant in disease. Therefore, it has been classified as a Variant of Uncertain Significance.

Baylor Genetics
Classification: Uncertain significance for Aplastic anemia. Last evaluated: 2023-10-30. Review status: criteria provided, single submitter. Criteria: ACMG Guidelines, 2015. Collection method: clinical testing. Allele origin: unknown.

Genome-Nilou Lab
Classification: Uncertain significance for Microcephaly, normal intelligence and immunodeficiency. Last evaluated: 2021-11-07. Review status: criteria provided, single submitter. Criteria: ACMG Guidelines, 2015. Collection method: clinical testing. Allele origin: germline. Affected: no.

Literature cited by the submitters: PubMed 36346689 (cited by Quest Diagnostics Nichols Institute San Juan Capistrano).